The following is an entry in ClinVar:

NM_004525.3(LRP2):c.2859C>A (p.Gly953=)

Gene: LRP2 (LDL receptor related protein 2; minus strand). Cytogenetic location: 2q31.1.
Variant type: single nucleotide variant.
Coding change: c.2859C>A on transcript NM_004525.3 (MANE Select); coding-DNA position 2859, C replaced by A.
Protein change: p.Gly953=; no amino-acid change (glycine 953 retained).
Molecular consequence: synonymous variant.
Genome position (GRCh38, 1-based): chr2:169,247,427, G>T on the plus strand (C>A on the coding strand, the complement: LRP2 is on the minus strand). VCF-style: chr2-169247427-G-T. GRCh37 (hg19) VCF-style: chr2-170103937-G-T.
Identifiers: ClinVar variation 2651527 (VCV002651527.24), dbSNP rs2528401368, ClinGen allele CA429920270.
Genomic context (GRCh38, chr2:169,247,427, plus strand): 5'-ATCTCACTCACCAGTCTGGATGTTGACATCATACGATTTCAAATGCAGTATGTAAGCAAT[G>T]CCACTTCGGATAACTGTCATTTCTCCACCATCTGCTTTCCTGACTCGAATAATGGCACCC-3'
Protein context (NP_004516.2, residues 943-963): DGGEMTVIRS[Gly953=]IAYILHLKSY

ClinVar aggregate classification (germline): Likely benign (1 of 4 stars; one submission).

Submission:

CeGaT Center for Human Genetics Tuebingen
Classification: Likely benign. Last evaluated: 2023-02-01. Review status: criteria provided, single submitter. Criteria: CeGaT Center For Human Genetics Tuebingen Variant Classification Criteria Version 2. Collection method: clinical testing. Allele origin: germline. Affected: yes. Observed: 1 variant allele.
Comment: LRP2: PM2:Supporting, BP4, BP7